The following is an entry in ClinVar:

ClinVar aggregate classification (germline): Pathogenic (1 of 4 stars; one submission).

Conditions:
Inborn genetic diseases. Identifiers: MedGen C0950123, MeSH D030342.
Juvenile nephropathic cystinosis. Also called: Intermediate Cystinosis; CYSTINOSIS, LATE-ONSET JUVENILE OR ADOLESCENT NEPHROPATHIC TYPE; Later-Onset (Juvenile) Cystinosis. Identifiers: Orphanet 213, Orphanet 411634, MedGen C0268626, MONDO:0009066, OMIM 219900.
Ocular cystinosis. Also called: Non-Nephropathic Cystinosis; Non-Nephropathic (Ocular) Cystinosis. Identifiers: Orphanet 213, Orphanet 411641, MedGen C2931013, MONDO:0009064, OMIM 219750.

Submission:

Labcorp Genetics (formerly Invitae), Labcorp
Classification: Pathogenic for Inborn genetic diseases; Ocular cystinosis; Juvenile nephropathic cystinosis. Last evaluated: 2021-08-26. Review status: criteria provided, single submitter. Criteria: Invitae Variant Classification Sherloc (09022015). Collection method: clinical testing. Allele origin: germline.
Comment: For these reasons, this variant has been classified as Pathogenic. This variant is also known as c.153-155insCT. This premature translational stop signal has been observed in individual(s) with nephropatic cystinosis (PMID: 23640116). This variant is not present in population databases (ExAC no frequency). This sequence change creates a premature translational stop signal (p.Ala52Leufs*5) in the CTNS gene. It is expected to result in an absent or disrupted protein product. Loss-of-function variants in CTNS are known to be pathogenic (PMID: 9537412, 27102039).

Literature cited by the submitters: PubMed 23640116; PubMed 9537412; PubMed 27102039.

NM_004937.3(CTNS):c.152_153insCT (p.Ala52fs)

Gene: CTNS (cystinosin, lysosomal cystine transporter; plus strand). Cytogenetic location: 17p13.2.
Variant type: Insertion.
Coding change: c.152_153insCT on transcript NM_004937.3 (MANE Select); coding-DNA positions 152 to 153, CT inserted.
Protein change: p.Ala52fs; shifts the reading frame from alanine 52.
Molecular consequence: frameshift variant. On other transcripts: 5 prime UTR variant (1), intron variant (3).
Genome position: GRCh38 VCF-style: chr17-3648858-A-ACT. GRCh37 (hg19) VCF-style: chr17-3552152-A-ACT.
Other names: c.152_153insCT, p.Ala52fs (NM_001031681.3, NM_001374492.1); c.-290_-289insCT (NM_001374494.1); c.-217+1336_-217+1337insCT (NM_001374493.1, NM_001374496.1); c.-216-6140_-216-6139insCT (NM_001374495.1); short protein forms A52fs.
Identifiers: ClinVar variation 1457577 (VCV001457577.8), dbSNP rs2150906974, ClinGen allele CA2573153069.
Genomic context (GRCh38, chr17:3,648,858, plus strand): 5'-ATCTCACTGTCCAGCTTCTCAGCAGTAATTAGACTCTTGTCCTCCACAGGCCACCATTAA[A>ACT]TGCAACCCTGGTGATCACTTTTGAAATCACATTTCGTTCCAAAAATATTACTATCCTTGA-3'